The following is an entry in ClinVar:

NM_007215.4(POLG2):c.32A>C (p.His11Pro)

Genes: POLG2 (DNA polymerase gamma 2, accessory subunit; minus strand), MILR1 (mast cell immunoglobulin like receptor 1; plus strand). Cytogenetic location: 17q23.3.
Variant type: single nucleotide variant.
Coding change: c.32A>C on transcript NM_007215.4 (MANE Select); coding-DNA position 32, A replaced by C.
Protein change: p.His11Pro; replaces histidine 11 with proline.
Molecular consequence: missense variant.
Genome position (GRCh38, 1-based): chr17:64,496,937, T>G on the plus strand (A>C on the coding strand, the complement: POLG2 is on the minus strand). VCF-style: chr17-64496937-T-G. GRCh37 (hg19) VCF-style: chr17-62493055-T-G.
Other names: short protein forms H11P.
Identifiers: ClinVar variation 1694860 (VCV001694860.31), dbSNP rs2038163431, ClinGen allele CA400641791.

ClinVar aggregate classification (germline): Uncertain significance (1 of 4 stars; one submission).

Allele frequency attached by ClinVar (database versions not stated): gnomAD exomes below 0.00001.
gnomAD v4.1: 1 of 1,609,850 alleles (0.000062%); highest among the groups gnomAD compares: Non-Finnish European, 0.000085%; no homozygotes.

Submission:

CeGaT Center for Human Genetics Tuebingen
Classification: Uncertain significance. Last evaluated: 2022-05-01. Review status: criteria provided, single submitter. Criteria: CeGaT Center For Human Genetics Tuebingen Variant Classification Criteria Version 2. Collection method: clinical testing. Allele origin: germline. Affected: yes. Observed: 1 variant allele.
Comment: POLG2: PM2, BP1, BP4